The following is an entry in ClinVar:

ClinVar aggregate classification (germline): Uncertain significance (1 of 4 stars; one submission).

Submission:

Ambry Genetics
Classification: Uncertain significance. Last evaluated: 2025-05-18. Review status: criteria provided, single submitter. Criteria: Ambry Variant Classification Scheme 2023. Collection method: clinical testing. Allele origin: germline.
Comment: The p.A616D variant (also known as c.1847C>A), located in coding exon 18 of the KIF1B gene, results from a C to A substitution at nucleotide position 1847. The alanine at codon 616 is replaced by aspartic acid, an amino acid with dissimilar properties. This amino acid position is conserved. In addition, this alteration is predicted to be deleterious by in silico analysis. Based on the available evidence, the clinical significance of this variant remains unclear.

NM_001365951.3(KIF1B):c.1985C>A (p.Ala662Asp)

Gene: KIF1B (kinesin family member 1B; plus strand). Cytogenetic location: 1p36.22.
Variant type: single nucleotide variant.
Coding change: c.1985C>A on transcript NM_001365951.3 (MANE Select); coding-DNA position 1985, C replaced by A.
Protein change: p.Ala662Asp; replaces alanine 662 with aspartic acid.
Molecular consequence: missense variant.
Genome position (GRCh38, 1-based): chr1:10,297,020, C>A. VCF-style: chr1-10297020-C-A. GRCh37 (hg19) VCF-style: chr1-10357078-C-A.
Other names: c.1985C>A, p.Ala662Asp (NM_001365952.1); c.1847C>A, p.Ala616Asp (NM_001365953.1, NM_015074.3, NM_183416.4); short protein forms A616D, A662D.
Identifiers: ClinVar variation 4043140 (VCV004043140.1).